The following is an entry in ClinVar:

ClinVar aggregate classification (germline): Uncertain significance (1 of 4 stars; one submission).

Conditions:
Hereditary nonpolyposis colorectal neoplasms. Identifiers: MedGen C0009405, MeSH D003123.

Submission:

Labcorp Genetics (formerly Invitae), Labcorp
Classification: Uncertain significance for Hereditary nonpolyposis colorectal neoplasms. Last evaluated: 2019-04-10. Review status: criteria provided, single submitter. Criteria: Invitae Variant Classification Sherloc (09022015). Collection method: clinical testing. Allele origin: germline.
Comment: This sequence change replaces threonine with tyrosine at codon 1085 of the MSH6 protein (p.Thr1085Ser). The threonine residue is weakly conserved and there is a moderate physicochemical difference between threonine and tyrosine. This variant is not present in population databases (ExAC no frequency). This variant has not been reported in the literature in individuals with MSH6-related conditions. Algorithms developed to predict the effect of missense changes on protein structure and function (SIFT, PolyPhen-2, Align-GVGD) all suggest that this variant is likely to be tolerated, but these predictions have not been confirmed by published functional studies and their clinical significance is uncertain. In summary, the available evidence is currently insufficient to determine the role of this variant in disease. Therefore, it has been classified as a Variant of Uncertain Significance.

NM_000179.3(MSH6):c.3253_3254delinsTA (p.Thr1085Tyr)

Gene: MSH6 (mutS homolog 6; plus strand). Cytogenetic location: 2p16.3.
Variant type: Indel.
Coding change: c.3253_3254delinsTA on transcript NM_000179.3 (MANE Select); coding-DNA positions 3253 to 3254, AC replaced by TA.
Protein change: p.Thr1085Tyr; replaces threonine 1085 with tyrosine.
Molecular consequence: missense variant.
Genome position (GRCh38, 1-based): chr2:47,803,500-47,803,501, AC replaced by TA. VCF-style: chr2-47803500-AC-TA. GRCh37 (hg19) VCF-style: chr2-48030639-AC-TA.
Other names: c.2863_2864delinsTA, p.Thr955Tyr (NM_001281492.2); c.2347_2348delinsTA, p.Thr783Tyr (NM_001281493.2, NM_001281494.2); short protein forms T955Y, T1085Y, T783Y.
Identifiers: ClinVar variation 3010183 (VCV003010183.3), dbSNP rs2530762983, ClinGen allele CA2740092849.